The following is an entry in ClinVar:

NM_032607.3(CREB3L3):c.548T>C (p.Leu183Pro)

Gene: CREB3L3 (cAMP responsive element binding protein 3 like 3; plus strand). Cytogenetic location: 19p13.3.
Variant type: single nucleotide variant.
Coding change: c.548T>C on transcript NM_032607.3 (MANE Select); coding-DNA position 548, T replaced by C.
Protein change: p.Leu183Pro; replaces leucine 183 with proline.
Molecular consequence: missense variant.
Genome position (GRCh38, 1-based): chr19:4,159,754, T>C. VCF-style: chr19-4159754-T-C. GRCh37 (hg19) VCF-style: chr19-4159751-T-C.
Other names: c.545T>C, p.Leu182Pro (NM_001271995.2); c.548T>C, p.Leu183Pro (NM_001271996.2, NM_001271997.2); short protein forms L183P, L182P.
Identifiers: ClinVar variation 4777676 (VCV004777676.1).

ClinVar aggregate classification (germline): Uncertain significance (1 of 4 stars; one submission).

gnomAD v4.1: 4 of 1,570,588 alleles (0.00025%); highest among the groups gnomAD compares: East Asian, 0.009%; no homozygotes.

Submission:

Labcorp Genetics (formerly Invitae), Labcorp
Classification: Uncertain significance. Last evaluated: 2026-01-07. Review status: criteria provided, single submitter. Criteria: Invitae Variant Classification Sherloc (09022015). Collection method: clinical testing. Allele origin: germline.
Comment: This sequence change replaces leucine, which is neutral and non-polar, with proline, which is neutral and non-polar, at codon 183 of the CREB3L3 protein (p.Leu183Pro). This variant is present in population databases (rs768665621, gnomAD 0.01%). This variant has not been reported in the literature in individuals affected with CREB3L3-related conditions. Invitae Evidence Modeling of protein sequence and biophysical properties (such as structural, functional, and spatial information, amino acid conservation, physicochemical variation, residue mobility, and thermodynamic stability) indicates that this missense variant is expected to disrupt CREB3L3 protein function with a positive predictive value of 80%. In summary, the available evidence is currently insufficient to determine the role of this variant in disease. Therefore, it has been classified as a Variant of Uncertain Significance.